The following is an entry in ClinVar:

ClinVar aggregate classification (germline): Uncertain significance (1 of 4 stars; one submission).

Conditions:
Pitt-Hopkins-like syndrome 2 (PTHSL2). Identifiers: Orphanet 221150, Orphanet 600663, MedGen C3280479, MONDO:0013690, OMIM 614325.

Submission:

Labcorp Genetics (formerly Invitae), Labcorp
Classification: Uncertain significance for Pitt-Hopkins-like syndrome 2. Last evaluated: 2021-06-03. Review status: criteria provided, single submitter. Criteria: Invitae Variant Classification Sherloc (09022015). Collection method: clinical testing. Allele origin: germline.
Comment: This variant is not present in population databases (ExAC no frequency). This variant has not been reported in the literature in individuals with NRXN1-related conditions. Nucleotide substitutions within the consensus splice site are a relatively common cause of aberrant splicing (PMID: 17576681, 9536098). Algorithms developed to predict the effect of sequence changes on RNA splicing suggest that this variant may disrupt the consensus splice site, but this prediction has not been confirmed by published transcriptional studies. This sequence change falls in intron 9 of the NRXN1 gene. It does not directly change the encoded amino acid sequence of the NRXN1 protein. It affects a nucleotide within the consensus splice site of the intron. In summary, the available evidence is currently insufficient to determine the role of this variant in disease. Therefore, it has been classified as a Variant of Uncertain Significance.

Literature cited by the submitters: PubMed 17576681; PubMed 9536098.

NM_001330078.2(NRXN1):c.1321-3C>A

Gene: NRXN1 (neurexin 1; minus strand). Cytogenetic location: 2p16.3.
Variant type: single nucleotide variant.
Coding change: c.1321-3C>A on transcript NM_001330078.2 (MANE Select); 3 bases into the intron before coding-DNA position 1321, C replaced by A.
Molecular consequence: intron variant.
Genome position (GRCh38, 1-based): chr2:50,553,028, G>T on the plus strand (C>A on the coding strand, the complement: NRXN1 is on the minus strand). VCF-style: chr2-50553028-G-T. GRCh37 (hg19) VCF-style: chr2-50780166-G-T.
Other names: c.1237-3C>A (NM_001330096.2, NM_001330087.2); c.1282-3C>A (NM_001330083.2, NM_001330084.2); c.1267-3C>A (NM_001330088.2); c.1318-3C>A (NM_001330093.2); c.1309-3C>A (NM_001330094.2); c.1297-3C>A (NM_001330095.2, NM_001330082.2, NM_001330077.2); c.1321-3C>A (NM_001330085.2, NM_004801.6, NM_001330086.2); c.1441-3C>A (NM_001135659.3).
Identifiers: ClinVar variation 1379071 (VCV001379071.6), dbSNP rs2105346646, ClinGen allele CA2573135064.
Genomic context (GRCh38, chr2:50,553,028, plus strand): 5'-CTCCTTGCTTGGCAAGTCGAGATAATTCCAGCCTCACATCATTATTTTTATATACAACCT[G>T]TGGGCAGAGGATAGCAGTGAGAAACTAGCCTCCATATTTTAATATCTGAAACTTGTGAAC-3'